The following is an entry in ClinVar:

ClinVar aggregate classification (germline): Conflicting classifications of pathogenicity. Review status: criteria provided, conflicting classifications (1 of 4 stars). 3 submissions from 3 submitters: Uncertain significance (1); Likely benign (1). 1 of the submissions does not count toward it. Last evaluated 2023-03-23.

Conditions:
Hereditary cancer-predisposing syndrome. Also called: Neoplastic Syndromes, Hereditary; Tumor predisposition; Hereditary Cancer Syndrome; Hereditary neoplastic syndrome. Identifiers: Orphanet 140162, MedGen C0027672, MeSH D009386, MONDO:0015356.
Hereditary breast ovarian cancer syndrome. Also called: Hereditary breast and ovarian cancer syndrome; Hereditary breast and ovarian cancer; Hereditary breast and ovarian cancer syndrome (HBOC); Breast and ovarian cancer; Hereditary breast and/or ovarian cancer syndrome; BRCA1- and BRCA2-Associated Hereditary Breast and Ovarian Cancer. Identifiers: Orphanet 145, MedGen C0677776, MeSH D061325, MONDO:0003582. Disease mechanism: loss of function.
Familial cancer of breast. Also called: BREAST CANCER, FAMILIAL; Hereditary breast cancer; hereditary breast carcinoma. Identifiers: Orphanet 227535, MedGen C0346153, MONDO:0016419, OMIM 114480. Disease mechanism: loss of function.

Submissions (3):

University of Washington Department of Laboratory Medicine, University of Washington
Classification: Likely benign for Hereditary cancer-predisposing syndrome. Last evaluated: 2023-03-23. Review status: criteria provided, single submitter. Criteria: Dines et al. (Genet Med. 2020). Collection method: curation. Allele origin: germline.
Comment: Missense variant in a coldspot region where missense variants are very unlikely to be pathogenic (PMID:31911673).

BRCA1 coldspot (exon 11 using historical exon numbering). Reclassification based on statistical prior probability

Labcorp Genetics (formerly Invitae), Labcorp
Classification: Uncertain significance for Hereditary breast ovarian cancer syndrome. Last evaluated: 2018-08-27. Review status: criteria provided, single submitter. Criteria: Invitae Variant Classification Sherloc (09022015). Collection method: clinical testing. Allele origin: germline.
Comment: This sequence change replaces glutamic acid with glycine at codon 515 of the BRCA1 protein (p.Glu515Gly). The glutamic acid residue is highly conserved and there is a moderate physicochemical difference between glutamic acid and glycine. This variant is not present in population databases (ExAC no frequency). This variant has been observed in an individual affected with breast cancer (PMID: 9440731). This variant is also known as A1663G in the literature. ClinVar contains an entry for this variant (Variation ID: 54288). Algorithms developed to predict the effect of missense changes on protein structure and function are either unavailable or do not agree on the potential impact of this missense change (SIFT: "Tolerated"; PolyPhen-2: "Probably Damaging"; Align-GVGD: "Class C0"). In summary, the available evidence is currently insufficient to determine the role of this variant in disease. Therefore, it has been classified as a Variant of Uncertain Significance.

ClinVar Staff, National Center for Biotechnology Information (NCBI)
No classification provided. Condition: Familial cancer of breast. Review status: no classification provided. Collection method: literature only. Allele origin: germline. Affected: yes. Not counted in ClinVar's aggregate classification.

Literature cited by the submitters: PubMed 9440731 (cited by Labcorp Genetics (formerly Invitae), Labcorp and ClinVar Staff, National Center for Biotechnology Information (NCBI)).

NM_007294.4(BRCA1):c.1544A>G (p.Glu515Gly)

Gene: BRCA1 (BRCA1 DNA repair associated; minus strand). Cytogenetic location: 17q21.31.
Variant type: single nucleotide variant.
Coding change: c.1544A>G on transcript NM_007294.4 (MANE Select); coding-DNA position 1544, A replaced by G.
Protein change: p.Glu515Gly; replaces glutamic acid 515 with glycine.
Molecular consequence: missense variant. On other transcripts: intron variant (137).
Genome position (GRCh38, 1-based): chr17:43,093,987, T>C on the plus strand (A>G on the coding strand, the complement: BRCA1 is on the minus strand). VCF-style: chr17-43093987-T-C. GRCh37 (hg19) VCF-style: chr17-41246004-T-C.
Other names: c.1541A>G, p.Glu514Gly (NM_001407631.1, NM_001407632.1, NM_001407633.1 and 22 more transcripts); c.1544A>G, p.Glu515Gly (NM_001407639.1, NM_001407640.1, NM_001407641.1 and 30 more transcripts); c.1535A>G, p.Glu512Gly (NM_001407646.1, NM_001407647.1); c.1421A>G, p.Glu474Gly (NM_001407648.1, NM_001407664.1, NM_001407665.1 and 19 more transcripts); c.1418A>G, p.Glu473Gly (NM_001407649.1, NM_001407670.1, NM_001407671.1 and 11 more transcripts); c.1466A>G, p.Glu489Gly (NM_001407653.1, NM_001407654.1, NM_001407655.1 and 4 more transcripts); c.1463A>G, p.Glu488Gly (NM_001407659.1, NM_001407660.1, NM_001407661.1 and 1 more transcripts); c.1403A>G, p.Glu468Gly (NM_001407692.1, NM_001407694.1, NM_001407695.1 and 29 more transcripts); and 40 more; short protein forms E515G, E468G, E387G, E388G, E403G, E426G, E488G, E512G.
Identifiers: ClinVar variation 54288 (VCV000054288.13), dbSNP rs397508881, ClinGen allele CA001036.